The following is an entry in ClinVar:

NM_006236.3(POU3F3):c.591CGC[5] (p.Ala203_Ala204del)

Gene: POU3F3 (POU class 3 homeobox 3; plus strand). Cytogenetic location: 2q12.1.
Variant type: Microsatellite.
Coding change: c.591CGC[5] on transcript NM_006236.3 (MANE Select); five copies in a row of the 3-base unit CGC starting at c.591; the reference has seven copies in a row; two copies, 6 bases deleted.
Protein change: p.Ala203_Ala204del.
Genome position (GRCh38, 1-based): chr2:104,856,116-104,856,121, CGCCGC deleted; deleting any 6 consecutive bases within chr2:104,856,099-104,856,121 gives the same sequence; the position shown is the placement nearest the transcript's 3' end. VCF-style (leftmost placement, unchanged base first): chr2-104856098-AGCCGCC-A. GRCh37 (hg19) VCF-style: chr2-105472556-AGCCGCC-A.
Other names: c.591CGC[5], p.Ala203_Ala204del (NM_001433704.1).
Identifiers: ClinVar variation 4084012 (VCV004084012.9).

ClinVar aggregate classification (germline): Likely benign. Review status: criteria provided, multiple submitters, no conflicts (2 of 4 stars). 2 submissions from 2 submitters: Likely benign (2). Last evaluated 2025-08-01.

Submissions (2):

CeGaT Center for Human Genetics Tuebingen
Classification: Likely benign. Last evaluated: 2025-08-01. Review status: criteria provided, single submitter. Criteria: CeGaT Center For Human Genetics Tuebingen Variant Classification Criteria Version 2. Collection method: clinical testing. Allele origin: germline. Affected: yes. Observed: 1 variant allele.
Comment: POU3F3: BS2

Blueprint Genetics
Classification: Likely benign. Last evaluated: 2024-11-18. Review status: criteria provided, single submitter. Criteria: ACMG Guidelines, 2015. Collection method: clinical testing. Allele origin: germline.